The following is an entry in ClinVar:

ClinVar aggregate classification (germline): Uncertain significance (1 of 4 stars; one submission).

Allele frequency attached by ClinVar (database versions not stated): gnomAD exomes below 0.00001.
gnomAD v4.1: 1 of 1,612,444 alleles (0.000062%); highest among the groups gnomAD compares: African/African-American, 0.0013%; no homozygotes.

Submission:

Labcorp Genetics (formerly Invitae), Labcorp
Classification: Uncertain significance. Last evaluated: 2022-02-08. Review status: criteria provided, single submitter. Criteria: Invitae Variant Classification Sherloc (09022015). Collection method: clinical testing. Allele origin: germline.
Comment: In summary, the available evidence is currently insufficient to determine the role of this variant in disease. Therefore, it has been classified as a Variant of Uncertain Significance. Algorithms developed to predict the effect of missense changes on protein structure and function (SIFT, PolyPhen-2, Align-GVGD) all suggest that this variant is likely to be disruptive. This variant has not been reported in the literature in individuals affected with BMP1-related conditions. This variant is not present in population databases (gnomAD no frequency). This sequence change replaces serine, which is neutral and polar, with glycine, which is neutral and non-polar, at codon 520 of the BMP1 protein (p.Ser520Gly).

NM_006129.5(BMP1):c.1558A>G (p.Ser520Gly)

Genes: BMP1 (bone morphogenetic protein 1; plus strand), LOC113788269 (BRD4-independent group 4 enhancer GRCh37_chr8:22052064-22053263; plus strand). Cytogenetic location: 8p21.3.
Variant type: single nucleotide variant.
Coding change: c.1558A>G on transcript NM_006129.5 (MANE Select); coding-DNA position 1558, A replaced by G.
Protein change: p.Ser520Gly; replaces serine 520 with glycine.
Molecular consequence: missense variant. On other transcripts: non-coding transcript variant (2).
Genome position (GRCh38, 1-based): chr8:22,194,838, A>G. VCF-style: chr8-22194838-A-G. GRCh37 (hg19) VCF-style: chr8-22052351-A-G.
Other names: c.1558A>G, p.Ser520Gly (NM_001199.4); short protein forms S520G.
Identifiers: ClinVar variation 2094885 (VCV002094885.4), dbSNP rs1829035187, ClinGen allele CA370494487.